The following is an entry in ClinVar:

ClinVar aggregate classification (germline): Uncertain significance. Review status: criteria provided, multiple submitters, no conflicts (2 of 4 stars). 2 submissions from 2 submitters: Uncertain significance (2). Last evaluated 2024-10-16.

Submissions (2):

Labcorp Genetics (formerly Invitae), Labcorp
Classification: Uncertain significance. Last evaluated: 2024-10-16. Review status: criteria provided, single submitter. Criteria: Invitae Variant Classification Sherloc (09022015). Collection method: clinical testing. Allele origin: germline.
Comment: This sequence change replaces isoleucine, which is neutral and non-polar, with methionine, which is neutral and non-polar, at codon 2142 of the ABCA4 protein (p.Ile2142Met). This variant is not present in population databases (gnomAD no frequency). This variant has not been reported in the literature in individuals affected with ABCA4-related conditions. ClinVar contains an entry for this variant (Variation ID: 618498). Invitae Evidence Modeling of protein sequence and biophysical properties (such as structural, functional, and spatial information, amino acid conservation, physicochemical variation, residue mobility, and thermodynamic stability) indicates that this missense variant is expected to disrupt ABCA4 protein function with a positive predictive value of 95%. In summary, the available evidence is currently insufficient to determine the role of this variant in disease. Therefore, it has been classified as a Variant of Uncertain Significance.

ARUP Laboratories, Molecular Genetics and Genomics, ARUP Laboratories
Classification: Uncertain significance. Last evaluated: 2018-06-23. Review status: criteria provided, single submitter. Criteria: ARUP Molecular Germline Variant Investigation Process. Collection method: clinical testing. Allele origin: germline.
Comment: The ABCA4 c.6426C>G; p.Ile2142Met variant, to our knowledge, is not reported in the medical literature or gene specific databases. This variant is also absent from general population databases (1000 Genomes Project, Exome Variant Server, and Genome Aggregation Database), indicating it is not a common polymorphism. The isoleucine at codon 2142 is highly conserved and computational analyses (SIFT, PolyPhen-2) predict that this variant is deleterious. Considering available information, there is insufficient evidence to classify the variant with certainty. Pathogenic ABCA4 variants are causative for autosomal recessive cone-rod dystrophy (MIM: 604116), fundus flavimaculatus (MIM: 248200), early onset severe retinal dystrophy (MIM: 248200), retinitis pigmentosa (MIM: 248200), or Stargardt disease (MIM: 248200).

NM_000350.3(ABCA4):c.6426C>G (p.Ile2142Met)

Gene: ABCA4 (ATP binding cassette subfamily A member 4; minus strand). Cytogenetic location: 1p22.1.
Variant type: single nucleotide variant.
Coding change: c.6426C>G on transcript NM_000350.3 (MANE Select); coding-DNA position 6426, C replaced by G.
Protein change: p.Ile2142Met; replaces isoleucine 2142 with methionine.
Molecular consequence: missense variant.
Genome position (GRCh38, 1-based): chr1:94,000,889, G>C on the plus strand (C>G on the coding strand, the complement: ABCA4 is on the minus strand). VCF-style: chr1-94000889-G-C. GRCh37 (hg19) VCF-style: chr1-94466445-G-C.
Other names: c.6204C>G, p.Ile2068Met (NM_001425324.1); short protein forms I2142M, I2068M.
Identifiers: ClinVar variation 618498 (VCV000618498.16), dbSNP rs1184801813, ClinGen allele CA341277330.
Genomic context (GRCh38, chr1:94,000,889, plus strand): 5'-TGCTTACTTGGACTTGAGATGCTGAATGGTGCCCATACATCGAAAGGCGCCCTTTACCAT[G>C]ATGGCCAGCCGGGTACACAGTGCCTCACATTCTTCCATGCTGTGGGGCAGGAGAGAGGAG-3'
Protein context (NP_000341.2, residues 2132-2152): ECEALCTRLA[Ile2142Met]MVKGAFRCMG